The following is an entry in ClinVar:

NM_001012720.2(RGR):c.212T>G (p.Val71Gly)

Gene: RGR (retinal G protein coupled receptor; plus strand). Cytogenetic location: 10q23.1.
Variant type: single nucleotide variant.
Coding change: c.212T>G on transcript NM_001012720.2 (MANE Select); coding-DNA position 212, T replaced by G.
Protein change: p.Val71Gly; replaces valine 71 with glycine.
Molecular consequence: missense variant.
Genome position (GRCh38, 1-based): chr10:84,247,723, T>G. VCF-style: chr10-84247723-T-G. GRCh37 (hg19) VCF-style: chr10-86007479-T-G.
Other names: c.212T>G, p.Val71Gly (NM_001012722.2, NM_002921.4); short protein forms V71G.
Identifiers: ClinVar variation 2856461 (VCV002856461.3), dbSNP rs2492625900, ClinGen allele CA377390903.
Genomic context (GRCh38, chr10:84,247,723, plus strand): 5'-GCCACCTACTGGTGCTGAGCTTGGCTCTTGCGGACAGTGGGATCAGCCTGAATGCCCTCG[T>G]TGCAGCCACATCCAGCCTTCTCCGGTACCAGCCCCCTCCCCAGTCCACAGGCTCTGGGGT-3'
Protein context (NP_001012738.1, residues 61-81): ADSGISLNAL[Val71Gly]AATSSLLRRW

ClinVar aggregate classification (germline): Uncertain significance (1 of 4 stars; one submission).

Submission:

Labcorp Genetics (formerly Invitae), Labcorp
Classification: Uncertain significance. Last evaluated: 2023-04-14. Review status: criteria provided, single submitter. Criteria: Invitae Variant Classification Sherloc (09022015). Collection method: clinical testing. Allele origin: germline.
Comment: In summary, the available evidence is currently insufficient to determine the role of this variant in disease. Therefore, it has been classified as a Variant of Uncertain Significance. Experimental studies and prediction algorithms are not available or were not evaluated, and the functional significance of this variant is currently unknown. This variant has not been reported in the literature in individuals affected with RGR-related conditions. This variant is not present in population databases (gnomAD no frequency). This sequence change replaces valine, which is neutral and non-polar, with glycine, which is neutral and non-polar, at codon 71 of the RGR protein (p.Val71Gly).